The following is an entry in ClinVar:

NM_032242.4(PLXNA1):c.1864G>A (p.Ala622Thr)

Gene: PLXNA1 (plexin A1; plus strand). Cytogenetic location: 3q21.3.
Variant type: single nucleotide variant.
Coding change: c.1864G>A on transcript NM_032242.4 (MANE Select); coding-DNA position 1864, G replaced by A.
Protein change: p.Ala622Thr; replaces alanine 622 with threonine.
Molecular consequence: missense variant.
Genome position (GRCh38, 1-based): chr3:127,005,210, G>A. VCF-style: chr3-127005210-G-A. GRCh37 (hg19) VCF-style: chr3-126724053-G-A.
Other names: short protein forms A622T.
Identifiers: ClinVar variation 3353050 (VCV003353050.2).

ClinVar aggregate classification (germline): Likely benign (1 of 4 stars; one submission).

Conditions:
PLXNA1-related disorder. Also called: PLXNA1-related condition.

gnomAD v4.1: 162 of 1,610,926 alleles (0.01%); highest among the groups gnomAD compares: South Asian, 0.095%; 3 homozygotes.

Submission:

PreventionGenetics, part of Exact Sciences
Classification: Likely benign for PLXNA1-related condition. Last evaluated: 2024-10-25. Review status: criteria provided, single submitter. Criteria: ACMG Guidelines, 2015. Collection method: clinical testing. Allele origin: germline.
Comment: This variant is classified as likely benign based on ACMG/AMP sequence variant interpretation guidelines (Richards et al. 2015 PMID: 25741868, with internal and published modifications).